The following is an entry in ClinVar:

ClinVar aggregate classification (germline): Pathogenic. Review status: reviewed by expert panel (3 of 4 stars). 45 submissions from 45 submitters: Pathogenic (1). 44 of the submissions do not count toward it. Last evaluated 2016-04-22.

Conditions:
BRCA1-related disorder. Also called: BRCA1-related condition.
BRCA1-related cancer predisposition. Identifiers: MedGen CN377757, MONDO:0700268.
Breast-ovarian cancer, familial, susceptibility to, 1 (BROVCA1). Also called: OVARIAN CANCER, SUSCEPTIBILITY TO; BRCA1 Hereditary Breast and Ovarian Cancer. Identifiers: Orphanet 145, MedGen C2676676, MONDO:0011450, OMIM 604370. Disease mechanism: loss of function.
Pancreatic cancer, susceptibility to, 4. Identifiers: Orphanet 1333, MedGen C3280442, MONDO:0013685, OMIM 614320.
Fanconi anemia, complementation group S (FANCS). Identifiers: MedGen C4554406, MONDO:0054748, OMIM 617883.
Hereditary cancer-predisposing syndrome. Also called: Tumor predisposition; Neoplastic Syndromes, Hereditary; Hereditary Cancer Syndrome; Hereditary neoplastic syndrome. Identifiers: Orphanet 140162, MedGen C0027672, MeSH D009386, MONDO:0015356.
Breast neoplasm. Also called: Neoplasm of breast; Breast tumor; Neoplasm of the breast; Breast Neoplasms. Identifiers: MedGen C1458155, MeSH D001943, MONDO:0021100, HP:0100013. Disease mechanism: gain of function.
Ovarian neoplasm. Also called: Ovarian tumor; Neoplasm of ovary; Ovarian Neoplasms. Identifiers: MedGen C0919267, MeSH D010051, MONDO:0021068, HP:0100615.
Hereditary breast ovarian cancer syndrome. Also called: Hereditary breast and ovarian cancer syndrome (HBOC); Hereditary breast and ovarian cancer syndrome; Hereditary breast and ovarian cancer; Hereditary breast and/or ovarian cancer syndrome; Breast and ovarian cancer; BRCA1- and BRCA2-Associated Hereditary Breast and Ovarian Cancer. Identifiers: Orphanet 145, MedGen C0677776, MeSH D061325, MONDO:0003582. Disease mechanism: loss of function.
Breast carcinoma. Also called: Carcinoma of breast. Identifiers: MedGen C0678222, MONDO:0004989, HP:0003002.
Familial cancer of breast. Also called: Hereditary breast cancer; hereditary breast carcinoma; BREAST CANCER, FAMILIAL. Identifiers: Orphanet 227535, MedGen C0346153, MONDO:0016419, OMIM 114480. Disease mechanism: loss of function.

Allele frequency attached by ClinVar (database versions not stated): gnomAD exomes below 0.00001; TOPMed 0.00001.

Submissions 1 to 8 of 45:

Evidence-based Network for the Interpretation of Germline Mutant Alleles (ENIGMA)
Classification: Pathogenic for Breast-ovarian cancer, familial, susceptibility to, 1. Last evaluated: 2016-04-22. Review status: reviewed by expert panel. Criteria: ENIGMA BRCA1/2 Classification Criteria (2015). Collection method: curation. Allele origin: germline.
Comment: Variant allele predicted to encode a truncated non-functional protein.

GeneDx
Classification: Pathogenic. Last evaluated: 2026-02-03. Review status: criteria provided, single submitter. Criteria: GeneDx Variant Classification Process June 2021. Collection method: clinical testing. Allele origin: germline. Affected: yes. Not counted in ClinVar's aggregate classification.
Comment: Frameshift variant predicted to result in protein truncation or nonsense mediated decay in a gene for which loss of function is a known mechanism of disease; Observed in individuals with personal or family history consistent with pathogenic variants in this gene (PMID: 16287141, 16998791, 20189727, 18627636, 24916970, 29339979, 20950396); Truncating variants in this gene are considered pathogenic by a well-established clinical consortium and/or database; Not observed at significant frequency in large population cohorts (gnomAD); Also known as 185dup; This variant is associated with the following publications: (PMID: 8595420, 27157322, 10952777, 29339979, 29752822, 16287141, 30078507, 29053726, 34981296, 36367610, 34601666, 36243179, 35918668, 38167124, 31492746, 20189727, 26187060, 22798144, 25103822, 23374397, 24916970, 20950396, 18627636, 12181777, 28179634, 27257965, 16998791, 29907814, 29116469, 29433453, 28993434, 8807330, 30702160, 27553291, 29470806, 28176296, 31528241, 32733560, 32341426, 29176636, 31742824, 31825140, 30787465, 11597388, 35220195, 34290354, 32211327, 15026808, 35264596, 35377489, 31892343, 38960732, 39096151, 33461583, 38219492, 37851290)

Labcorp Genetics (formerly Invitae), Labcorp
Classification: Pathogenic for Hereditary breast ovarian cancer syndrome. Last evaluated: 2026-02-03. Review status: criteria provided, single submitter. Criteria: Invitae Variant Classification Sherloc (09022015). Collection method: clinical testing. Allele origin: germline. Not counted in ClinVar's aggregate classification.
Comment: This sequence change creates a premature translational stop signal (p.Glu23Argfs*18) in the BRCA1 gene. It is expected to result in an absent or disrupted protein product. Loss-of-function variants in BRCA1 are known to be pathogenic (PMID: 20104584). This variant is not present in population databases (gnomAD no frequency). This premature translational stop signal has been observed in individual(s) with breast and/or ovarian cancer (PMID: 8595420, 12181777, 16998791, 20189727, 24916970). This variant is also known as 185insA. ClinVar contains an entry for this variant (Variation ID: 37691). For these reasons, this variant has been classified as Pathogenic.

Dasa
Classification: Pathogenic for Breast-ovarian cancer, familial, susceptibility to, 1. Last evaluated: 2025-12-10. Review status: criteria provided, single submitter. Criteria: DASA Assertion Criteria. Collection method: clinical testing. Allele origin: germline. Not counted in ClinVar's aggregate classification.
Comment: NM_007294.4(BRCA1):c.66dup (p.Glu23ArgfsTer18) is a frameshift variant in BRCA1 predicted to alter the reading frame and introduce a premature termination codon and is predicted to result in an absent or altered protein product. Loss of function is an established disease mechanism for BRCA1 (PMID: 32375709; PMID: 21989022; PMID: 11802209). The affected residue or protein region has prior evidence supporting clinical relevance. Also, this variant is rare in population databases. Based on the currently available evidence, this variant is classified as pathogenic.

Institute of Immunology and Genetics Kaiserslautern
Classification: Pathogenic for Breast-ovarian cancer, familial, susceptibility to, 1. Last evaluated: 2025-07-31. Review status: criteria provided, single submitter. Criteria: ACMG Guidelines, 2015. Collection method: clinical testing. Allele origin: germline. Affected: yes. Not counted in ClinVar's aggregate classification.
Comment: ACMG Criteria: PVS1, PS4, PM2, PP1, PP3, PP4, PP5_M.

Center for Genomic Medicine, Rigshospitalet, Copenhagen University Hospital
Classification: Pathogenic. Last evaluated: 2025-03-04. Review status: criteria provided, single submitter. Criteria: ACMG Guidelines, 2015. Collection method: clinical testing. Allele origin: germline. Not counted in ClinVar's aggregate classification.

All of Us Research Program, National Institutes of Health
Classification: Pathogenic for BRCA1-related cancer predisposition. Last evaluated: 2024-09-03. Review status: criteria provided, single submitter. Criteria: ACMG Guidelines, 2015. Collection method: clinical testing. Allele origin: germline. Inheritance: Autosomal dominant inheritance. Observed: 1 variant allele, 1 heterozygote. Not counted in ClinVar's aggregate classification.
Comment: This variant inserts 1 nucleotide in exon 2 of the BRCA1 gene, creating a frameshift and premature translation stop signal. This variant is expected to result in an absent or non-functional protein product. To our knowledge, functional studies have not been reported for this variant. This variant has been reported in at least 10 Individuals affected with breast and ovarian cancer and in a breast cancer case-control meta-analysis in 3 cases and 1 unaffected individual (PMID: 8595420, 11606101, 12181777, 18627636, 20189727, 20950396, 27257965, 28993434, 29152070, 29470806, 33471991, 35918668; Leiden Open Variation Database DB-ID BRCA1_001098), and in suspected hereditary breast and ovarian cancer families (PMID: 10952777, 16683254, 16998791, 21559243, 24916970, 25863477, 29176636, 29339979, 29907814). This variant also has been reported in an individual affected with melanoma (PMID: 29433453). This variant has not been identified in the general population by the Genome Aggregation Database (gnomAD). Loss of BRCA1 function is a known mechanism of disease. Based on the available evidence, this variant is classified as Pathogenic.

This study involves interpretation of variants in research participants for the purpose of population health screening. Participant phenotype was not available at the time of variant classification. Additional details can be found in publication PMID: 35346344, PMCID: PMC8962531

Ambry Genetics
Classification: Pathogenic for Hereditary cancer-predisposing syndrome. Last evaluated: 2024-08-30. Review status: criteria provided, single submitter. Criteria: Ambry Variant Classification Scheme 2023. Collection method: clinical testing. Allele origin: germline. Not counted in ClinVar's aggregate classification.
Comment: The c.66dupA pathogenic mutation, located in coding exon 1 of the BRCA1 gene, results from a duplication of one nucleotide at position 66, causing a translational frameshift with a predicted alternate stop codon (p.E23Rfs*18). This mutation has been described in numerous breast and ovarian cancer patients and families (Couch FJ and Weber BL. Hum. Mutat. 1996;8:8-18; Rashid MU et al. Int. J. Cancer. 2006 Dec;119:2832&ndash;39; Kang E et al. Breast Cancer Res. Treat. 2015 May;151:157-68; Bujassoum SM et al. J. Cancer Sci. Ther. 2017;9(2):358-64). Of note, this alteration is also designated as 185insA in published literature. This variant is considered to be rare based on population cohorts in the Genome Aggregation Database (gnomAD). In addition to the clinical data presented in the literature, this alteration is expected to result in loss of function by premature protein truncation or nonsense-mediated mRNA decay. As such, this alteration is interpreted as a disease-causing mutation.

NM_007294.4(BRCA1):c.66dup (p.Glu23fs)

Gene: BRCA1 (BRCA1 DNA repair associated; minus strand). Cytogenetic location: 17q21.31.
Variant type: Duplication.
Coding change: c.66dup on transcript NM_007294.4 (MANE Select); coding-DNA position 66, one base duplicated (A; older notation c.66dupA).
Protein change: p.Glu23fs; shifts the reading frame from glutamic acid 23.
Molecular consequence: frameshift variant. On other transcripts: 5 prime UTR variant (1), non-coding transcript variant (1).
Genome position (GRCh38, 1-based): chr17:43,124,031, T duplicated on the plus strand (A on the coding strand, the reverse complement: BRCA1 is on the minus strand). VCF-style (leftmost placement, unchanged base first): chr17-43124030-C-CT. GRCh37 (hg19) VCF-style: chr17-41276047-C-CT.
Other names: 185_186insA; NP_009225.1:p.Glu23ArgfsTer18; 185insA; c.66dupA (NM_007294.3); c.66dup, p.Glu23Argfs (NM_001408494.1, NM_001408495.1, NM_007298.4 and 191 more transcripts); c.-22dup (NM_001408496.1, NM_001408498.1, NM_007297.4 and 23 more transcripts); c.-199dup (NM_001408497.1, NM_001407741.1, NM_001407934.1); c.-195dup (NM_001408499.1, NM_001408500.1, NM_001408503.1 and 22 more transcripts); and 14 more; short protein forms E23fs.
Identifiers: ClinVar variation 37691 (VCV000037691.85), dbSNP rs80357783, ClinGen allele CA003784.